The following is an entry in ClinVar:

ClinVar aggregate classification (germline): Uncertain significance. Review status: criteria provided, multiple submitters, no conflicts (2 of 4 stars). 4 submissions from 4 submitters: Uncertain significance (4). Last evaluated 2024-05-23.

Conditions:
Cranioectodermal dysplasia 2 (CED2). Identifiers: Orphanet 1515, MedGen C3150874, MONDO:0013323, OMIM 613610.
Short-rib thoracic dysplasia 7 with or without polydactyly (SRTD7). Also called: Short rib polydactyly syndrome 5; SHORT-RIB THORACIC DYSPLASIA 7 WITH POLYDACTYLY. Identifiers: Orphanet 498497, Orphanet 93271, MedGen C3279792, MONDO:0013569, OMIM 614091.
Inborn genetic diseases. Identifiers: MedGen C0950123, MeSH D030342.

Allele frequency attached by ClinVar (database versions not stated): ExAC 0.00002; gnomAD exomes 0.00002 and 0.00003; gnomAD 0.00011; 1000 Genomes Project 30x 0.00016; TOPMed 0.00019; 1000 Genomes Project 0.00020.
gnomAD v4.1: 44 of 1,612,784 alleles (0.0027%); highest among the groups gnomAD compares: Admixed American, 0.017%; no homozygotes.

Submissions (4):

Fulgent Genetics
Classification: Uncertain significance for Cranioectodermal dysplasia 2; Short-rib thoracic dysplasia 7 with or without polydactyly. Last evaluated: 2024-05-23. Review status: criteria provided, single submitter. Criteria: ACMG Guidelines, 2015. Collection method: clinical testing. Allele origin: germline.

Ambry Genetics
Classification: Uncertain significance for Inborn genetic diseases. Last evaluated: 2023-12-08. Review status: criteria provided, single submitter. Criteria: Ambry Variant Classification Scheme 2023. Collection method: clinical testing. Allele origin: germline.

Labcorp Genetics (formerly Invitae), Labcorp
Classification: Uncertain significance for Cranioectodermal dysplasia 2; Short-rib thoracic dysplasia 7 with or without polydactyly. Last evaluated: 2022-04-07. Review status: criteria provided, single submitter. Criteria: Invitae Variant Classification Sherloc (09022015). Collection method: clinical testing. Allele origin: germline.
Comment: This sequence change replaces arginine, which is basic and polar, with glutamine, which is neutral and polar, at codon 827 of the WDR35 protein (p.Arg827Gln). This variant is present in population databases (rs539243373, gnomAD 0.02%). This variant has not been reported in the literature in individuals affected with WDR35-related conditions. ClinVar contains an entry for this variant (Variation ID: 951090). Algorithms developed to predict the effect of missense changes on protein structure and function output the following: SIFT: "Tolerated"; PolyPhen-2: "Benign"; Align-GVGD: "Class C0". The glutamine amino acid residue is found in multiple mammalian species, which suggests that this missense change does not adversely affect protein function. In summary, the available evidence is currently insufficient to determine the role of this variant in disease. Therefore, it has been classified as a Variant of Uncertain Significance.

GeneDx
Classification: Uncertain significance. Last evaluated: 2019-04-15. Review status: criteria provided, single submitter. Criteria: GeneDx Variant Classification Process June 2021. Collection method: clinical testing. Allele origin: germline. Affected: yes.
Comment: Has not been previously published as pathogenic or benign to our knowledge

NM_020779.4(WDR35):c.2447G>A (p.Arg816Gln)

Gene: WDR35 (WD repeat domain 35; minus strand). Cytogenetic location: 2p24.1.
Variant type: single nucleotide variant.
Coding change: c.2447G>A on transcript NM_020779.4 (MANE Select); coding-DNA position 2447, G replaced by A.
Protein change: p.Arg816Gln; replaces arginine 816 with glutamine.
Molecular consequence: missense variant.
Genome position (GRCh38, 1-based): chr2:19,935,571, C>T on the plus strand (G>A on the coding strand, the complement: WDR35 is on the minus strand). VCF-style: chr2-19935571-C-T. GRCh37 (hg19) VCF-style: chr2-20135332-C-T.
Other names: c.2480G>A, p.Arg827Gln (NM_001006657.2); short protein forms R816Q, R827Q.
Identifiers: ClinVar variation 951090 (VCV000951090.12), dbSNP rs539243373, ClinGen allele CA1542940.
Genomic context (GRCh38, chr2:19,935,571, plus strand): 5'-TTCTCTAACCCTTCATAATCCTCTAACATATAGTAACATTCAGCTAAGCGTTCCTGGTTC[C>T]GTCCTTGTACATAATATTGTACAGCATTCAACCTACAGAAAGAAAAAAGGAAAAACTTTT-3'
Protein context (NP_065830.2, residues 806-826): LNAVQYYVQG[Arg816Gln]NQERLAECYY